The following is an entry in ClinVar:

NM_001376.5(DYNC1H1):c.4938T>A (p.Asn1646Lys)

Gene: DYNC1H1 (dynein cytoplasmic 1 heavy chain 1; plus strand). Cytogenetic location: 14q32.31.
Variant type: single nucleotide variant.
Coding change: c.4938T>A on transcript NM_001376.5 (MANE Select); coding-DNA position 4938, T replaced by A.
Protein change: p.Asn1646Lys; replaces asparagine 1646 with lysine.
Molecular consequence: missense variant.
Genome position (GRCh38, 1-based): chr14:102,004,572, T>A. VCF-style: chr14-102004572-T-A. GRCh37 (hg19) VCF-style: chr14-102470909-T-A.
Other names: short protein forms N1646K.
Identifiers: ClinVar variation 4802051 (VCV004802051.1).
Genomic context (GRCh38, chr14:102,004,572, plus strand): 5'-TTTTAGGTTCTATTTTGTGGGTGATGAAGATTTGCTTGAAATCATTGGAAACAGCAAGAA[T>A]GTCGCTAAATTACAGAAACACTTCAAGAAGATGTTTGCTGGAGTTTCGAGCATCATCCTG-3'
Protein context (NP_001367.2, residues 1636-1656): DLLEIIGNSK[Asn1646Lys]VAKLQKHFKK

ClinVar aggregate classification (germline): Uncertain significance (1 of 4 stars; one submission).

Conditions:
Charcot-Marie-Tooth disease axonal type 2O. Also called: CHARCOT-MARIE-TOOTH NEUROPATHY, AXONAL, TYPE 2O; CHARCOT-MARIE-TOOTH DISEASE, AXONAL, AUTOSOMAL DOMINANT, TYPE 2O; Charcot-Marie-Tooth Neuropathy Type 2O; Charcot-Marie-Tooth disease, axonal, type 20. Identifiers: Orphanet 284232, MedGen C3280220, MONDO:0013644, OMIM 614228.

gnomAD v4.1: 2 of 1,613,966 alleles (0.00012%); highest among the groups gnomAD compares: Non-Finnish European, 0.00017%; no homozygotes.

Submission:

Labcorp Genetics (formerly Invitae), Labcorp
Classification: Uncertain significance for Charcot-Marie-Tooth disease axonal type 2O. Last evaluated: 2026-01-02. Review status: criteria provided, single submitter. Criteria: Invitae Variant Classification Sherloc (09022015). Collection method: clinical testing. Allele origin: germline.
Comment: This sequence change replaces asparagine, which is neutral and polar, with lysine, which is basic and polar, at codon 1646 of the DYNC1H1 protein (p.Asn1646Lys). This variant is not present in population databases (gnomAD no frequency). This variant has not been reported in the literature in individuals affected with DYNC1H1-related conditions. Invitae Evidence Modeling of protein sequence and biophysical properties (such as structural, functional, and spatial information, amino acid conservation, physicochemical variation, residue mobility, and thermodynamic stability) has been performed for this missense variant. However, the output from this modeling did not meet the statistical confidence thresholds required to predict the impact of this variant on DYNC1H1 protein function. In summary, the available evidence is currently insufficient to determine the role of this variant in disease. Therefore, it has been classified as a Variant of Uncertain Significance.